The following is an entry in ClinVar:

ClinVar aggregate classification (germline): Uncertain significance. Review status: criteria provided, multiple submitters, no conflicts (2 of 4 stars). 3 submissions from 3 submitters: Uncertain significance (3). Last evaluated 2026-03-28.

Conditions:
Inborn genetic diseases. Identifiers: MedGen C0950123, MeSH D030342.
GM1 gangliosidosis. Identifiers: Orphanet 354, MedGen C0085131, MONDO:0018149.
Mucopolysaccharidosis, MPS-IV-B (MPS4B). Also called: MORQUIO SYNDROME B; Mucopolysaccharidosis Type IVB (Morquio B Disease); Mucopolysaccharidosis Type IVB; Mucopolysaccharidosis type IVB (Morquio); MPS IVB; Mucopolysaccharidosis type IV B. Identifiers: Orphanet 309310, Orphanet 582, MedGen C0086652, MONDO:0009660, OMIM 253010.
GLB1-related disorder. Also called: GLB1-related disorders. Identifiers: MedGen CN377807.

Allele frequency attached by ClinVar (database versions not stated): ExAC 0.00001; gnomAD 0.00001; TOPMed 0.00004.
gnomAD v4.1: 12 of 1,612,172 alleles (0.00074%); highest among the groups gnomAD compares: Admixed American, 0.018%; no homozygotes.

Submissions (3):

PreventionGenetics, part of Exact Sciences
Classification: Uncertain significance for GLB1-related condition. Last evaluated: 2026-03-28. Review status: criteria provided, single submitter. Criteria: ACMG Guidelines, 2015. Collection method: clinical testing. Allele origin: germline.
Comment: The GLB1 c.62C>T variant is predicted to result in the amino acid substitution p.Thr21Met. To our knowledge, this variant has not been reported in the literature. This variant is reported in 0.029% of alleles in individuals of Latino descent in gnomAD. At this time, the clinical significance of this variant is uncertain due to the absence of conclusive functional and genetic evidence.

Ambry Genetics
Classification: Uncertain significance for Inborn genetic diseases. Last evaluated: 2024-10-07. Review status: criteria provided, single submitter. Criteria: Ambry Variant Classification Scheme 2023. Collection method: clinical testing. Allele origin: germline.

Labcorp Genetics (formerly Invitae), Labcorp
Classification: Uncertain significance for Mucopolysaccharidosis, MPS-IV-B; GM1 gangliosidosis. Last evaluated: 2022-07-15. Review status: criteria provided, single submitter. Criteria: Invitae Variant Classification Sherloc (09022015). Collection method: clinical testing. Allele origin: germline.
Comment: This sequence change replaces threonine, which is neutral and polar, with methionine, which is neutral and non-polar, at codon 21 of the GLB1 protein (p.Thr21Met). This variant is present in population databases (rs749823446, gnomAD 0.03%). This variant has not been reported in the literature in individuals affected with GLB1-related conditions. Advanced modeling of protein sequence and biophysical properties (such as structural, functional, and spatial information, amino acid conservation, physicochemical variation, residue mobility, and thermodynamic stability) performed at Invitae indicates that this missense variant is not expected to disrupt GLB1 protein function. In summary, the available evidence is currently insufficient to determine the role of this variant in disease. Therefore, it has been classified as a Variant of Uncertain Significance.

NM_000404.4(GLB1):c.62C>T (p.Thr21Met)

Genes: GLB1 (galactosidase beta 1; minus strand), TMPPE (transmembrane protein with metallophosphoesterase domain; minus strand), LOC129936434 (ATAC-STARR-seq lymphoblastoid silent region 14182; plus strand). Cytogenetic location: 3p22.3.
Variant type: single nucleotide variant.
Coding change: c.62C>T on transcript NM_000404.4 (MANE Select); coding-DNA position 62, C replaced by T.
Protein change: p.Thr21Met; replaces threonine 21 with methionine.
Molecular consequence: missense variant. On other transcripts: 5 prime UTR variant (2).
Genome position (GRCh38, 1-based): chr3:33,097,024, G>A on the plus strand (C>T on the coding strand, the complement: GLB1 is on the minus strand). VCF-style: chr3-33097024-G-A. GRCh37 (hg19) VCF-style: chr3-33138516-G-A.
Other names: c.62C>T (NM_000404.2, NM_000404.3); c.62C>T, p.Thr21Met (NM_001135602.3, NM_001317040.2, NM_001393580.1); c.-414C>T (NM_001039770.3); c.-310C>T (NM_001136238.2); short protein forms T21M.
Identifiers: ClinVar variation 2037639 (VCV002037639.3), dbSNP rs749823446, ClinGen allele CA2300127.